The following is an entry in ClinVar:

ClinVar aggregate classification (germline): Uncertain significance (1 of 4 stars; one submission).

Conditions:
Myopathy, proximal, and ophthalmoplegia (CMYO6). Also called: MYOPATHY WITH CONGENITAL JOINT CONTRACTURES, OPHTHALMOPLEGIA, AND RIMMED VACUOLES; INCLUSION BODY MYOPATHY 3, AUTOSOMAL DOMINANT; CONGENITAL MYOPATHY 6 WITH OPHTHALMOPLEGIA. Identifiers: Orphanet 363677, Orphanet 79091, MedGen C1854106, MONDO:0011577, OMIM 605637.

Submission:

Labcorp Genetics (formerly Invitae), Labcorp
Classification: Uncertain significance for Myopathy, proximal, and ophthalmoplegia. Last evaluated: 2025-09-02. Review status: criteria provided, single submitter. Criteria: Invitae Variant Classification Sherloc (09022015). Collection method: clinical testing. Allele origin: germline.
Comment: This sequence change replaces glutamine, which is neutral and polar, with glutamic acid, which is acidic and polar, at codon 1742 of the MYH2 protein (p.Gln1742Glu). This variant is not present in population databases (gnomAD no frequency). This variant has not been reported in the literature in individuals affected with MYH2-related conditions. ClinVar contains an entry for this variant (Variation ID: 3690384). Invitae Evidence Modeling of protein sequence and biophysical properties (such as structural, functional, and spatial information, amino acid conservation, physicochemical variation, residue mobility, and thermodynamic stability) indicates that this missense variant is not expected to disrupt MYH2 protein function with a negative predictive value of 80%. In summary, the available evidence is currently insufficient to determine the role of this variant in disease. Therefore, it has been classified as a Variant of Uncertain Significance.

NM_017534.6(MYH2):c.5224C>G (p.Gln1742Glu)

Genes: MYH2 (myosin heavy chain 2; minus strand), MYHAS (myosin heavy chain gene cluster antisense RNA; plus strand). Cytogenetic location: 17p13.1.
Variant type: single nucleotide variant.
Coding change: c.5224C>G on transcript NM_017534.6 (MANE Select); coding-DNA position 5224, C replaced by G.
Protein change: p.Gln1742Glu; replaces glutamine 1742 with glutamic acid.
Molecular consequence: missense variant.
Genome position (GRCh38, 1-based): chr17:10,523,836, G>C on the plus strand (C>G on the coding strand, the complement: MYH2 is on the minus strand). VCF-style: chr17-10523836-G-C. GRCh37 (hg19) VCF-style: chr17-10427153-G-C.
Other names: c.5224C>G, p.Gln1742Glu (NM_001100112.2); short protein forms Q1742E.
Identifiers: ClinVar variation 3690384 (VCV003690384.2).
Genomic context (GRCh38, chr17:10,523,836, plus strand): 5'-TGGCCTTTTCTTCTGCATTGCGGGCTTCCTGGAGAATGTCCTCCATCTCTCCTTGCATTT[G>C]GGAAATATCTGTCTCCAGCTTCTTCTTGGTGTTGATCAGGCTGGTGTTCTGTTTAAAAAG-3'
Protein context (NP_060004.3, residues 1732-1752): TKKKLETDIS[Gln1742Glu]MQGEMEDILQ